The following is an entry in ClinVar:

ClinVar aggregate classification (germline): Uncertain significance (1 of 4 stars; one submission).

Allele frequency attached by ClinVar (database versions not stated): TOPMed 0.00001.

Submission:

Labcorp Genetics (formerly Invitae), Labcorp
Classification: Uncertain significance. Last evaluated: 2024-02-24. Review status: criteria provided, single submitter. Criteria: Invitae Variant Classification Sherloc (09022015). Collection method: clinical testing. Allele origin: germline.
Comment: This sequence change falls in intron 38 of the COL11A2 gene. It does not directly change the encoded amino acid sequence of the COL11A2 protein. It affects a nucleotide within the consensus splice site. This variant is not present in population databases (gnomAD no frequency). This variant has not been reported in the literature in individuals affected with COL11A2-related conditions. ClinVar contains an entry for this variant (Variation ID: 2184521). Variants that disrupt the consensus splice site are a relatively common cause of aberrant splicing (PMID: 17576681, 9536098). Algorithms developed to predict the effect of sequence changes on RNA splicing suggest that this variant may disrupt the consensus splice site. In summary, the available evidence is currently insufficient to determine the role of this variant in disease. Therefore, it has been classified as a Variant of Uncertain Significance.

Literature cited by the submitters: PubMed 17576681; PubMed 9536098.

NM_080680.3(COL11A2):c.2790+5G>A

Gene: COL11A2 (collagen type XI alpha 2 chain; minus strand). Cytogenetic location: 6p21.32.
Variant type: single nucleotide variant.
Coding change: c.2790+5G>A on transcript NM_080680.3 (MANE Select); 5 bases into the intron after coding-DNA position 2790, G replaced by A.
Molecular consequence: intron variant.
Genome position (GRCh38, 1-based): chr6:33,173,055, C>T on the plus strand (G>A on the coding strand, the complement: COL11A2 is on the minus strand). VCF-style: chr6-33173055-C-T. GRCh37 (hg19) VCF-style: chr6-33140832-C-T.
Other names: c.2469+5G>A (NM_080679.3); c.2532+5G>A (NM_080681.3).
Identifiers: ClinVar variation 2184521 (VCV002184521.4), dbSNP rs1035587219, ClinGen allele CA137068280.
Genomic context (GRCh38, chr6:33,173,055, plus strand): 5'-GAGAAGAGGGGCAGACAGACTAATGCTAGGGTCAGGGGTCCATTCTCTCCTAGGGACAAA[C>T]CTACCTGAGGTCCCACCACTCCTGGAGGACCAGGGGGGCCGGTCTTCCCTTGGAAACCCT-3'